The following is an entry in ClinVar:

NM_133642.5(LARGE1):c.1272T>A (p.Asp424Glu)

Gene: LARGE1 (LARGE xylosyl- and glucuronyltransferase 1; minus strand). Cytogenetic location: 22q12.3.
Variant type: single nucleotide variant.
Coding change: c.1272T>A on transcript NM_133642.5 (MANE Select); coding-DNA position 1272, T replaced by A.
Protein change: p.Asp424Glu; replaces aspartic acid 424 with glutamic acid.
Molecular consequence: missense variant. On other transcripts: intron variant (2).
Genome position (GRCh38, 1-based): chr22:33,337,661, A>T on the plus strand (T>A on the coding strand, the complement: LARGE1 is on the minus strand). VCF-style: chr22-33337661-A-T. GRCh37 (hg19) VCF-style: chr22-33733647-A-T.
Other names: c.1272T>A, p.Asp424Glu (NM_001362949.2, NM_001362951.2, NM_001362953.2 and 6 more transcripts); c.669T>A, p.Asp223Glu (NM_001378630.1); c.1132-21413T>A (NM_001378629.1); c.529-21413T>A (NM_001378631.1); short protein forms D223E, D424E.
Identifiers: ClinVar variation 1937717 (VCV001937717.2), dbSNP rs1467552697, ClinGen allele CA411543600.

ClinVar aggregate classification (germline): Uncertain significance (1 of 4 stars; one submission).

Conditions:
Muscular dystrophy-dystroglycanopathy type B6 (MDDGB6). Also called: MUSCULAR DYSTROPHY-DYSTROGLYCANOPATHY (CONGENITAL WITH IMPAIRED INTELLECTUAL DEVELOPMENT), TYPE B, 6; MUSCULAR DYSTROPHY, CONGENITAL, LARGE-RELATED; MUSCULAR DYSTROPHY, CONGENITAL, TYPE 1D. Identifiers: MedGen C1837229, MONDO:0012138, OMIM 608840.

gnomAD v4.1: 3 of 1,614,122 alleles (0.00019%); highest among the groups gnomAD compares: Non-Finnish European, 0.00025%; no homozygotes.

Submission:

Labcorp Genetics (formerly Invitae), Labcorp
Classification: Uncertain significance for Muscular dystrophy-dystroglycanopathy type B6. Last evaluated: 2021-12-31. Review status: criteria provided, single submitter. Criteria: Invitae Variant Classification Sherloc (09022015). Collection method: clinical testing. Allele origin: germline.
Comment: This sequence change replaces aspartic acid, which is acidic and polar, with glutamic acid, which is acidic and polar, at codon 424 of the LARGE1 protein (p.Asp424Glu). This variant is not present in population databases (gnomAD no frequency). This variant has not been reported in the literature in individuals affected with LARGE1-related conditions. Algorithms developed to predict the effect of missense changes on protein structure and function (SIFT, PolyPhen-2, Align-GVGD) all suggest that this variant is likely to be tolerated. In summary, the available evidence is currently insufficient to determine the role of this variant in disease. Therefore, it has been classified as a Variant of Uncertain Significance.